The following is an entry in ClinVar:

ClinVar aggregate classification (germline): Likely benign (0 of 4 stars; one submission).

Conditions:
FAT3-related disorder. Also called: FAT3-related condition.

Allele frequency attached by ClinVar (database versions not stated): ExAC 0.00025; ESP Exome Variant Server 0.00090; gnomAD 0.00093; TOPMed 0.00107; 1000 Genomes Project 30x 0.00109; 1000 Genomes Project 0.00120.
gnomAD v4.1: 305 of 1,611,560 alleles (0.019%); highest among the groups gnomAD compares: African/African-American, 0.34%; no homozygotes.

Submission:

PreventionGenetics, part of Exact Sciences
Classification: Likely benign for FAT3-related condition. Last evaluated: 2019-02-21. Review status: no assertion criteria provided. Collection method: clinical testing. Allele origin: germline.
Comment: This variant is classified as likely benign based on ACMG/AMP sequence variant interpretation guidelines (Richards et al. 2015 PMID: 25741868, with internal and published modifications).

NM_001367949.2(FAT3):c.13194G>A (p.Ser4398=)

Gene: FAT3 (FAT atypical cadherin 3; plus strand). Cytogenetic location: 11q14.3.
Variant type: single nucleotide variant.
Coding change: c.13194G>A on transcript NM_001367949.2 (MANE Select); coding-DNA position 13194, G replaced by A.
Protein change: p.Ser4398=; no amino-acid change (serine 4398 retained).
Molecular consequence: synonymous variant.
Genome position (GRCh38, 1-based): chr11:92,890,537, G>A. VCF-style: chr11-92890537-G-A. GRCh37 (hg19) VCF-style: chr11-92623703-G-A.
Other names: c.13098G>A, p.Ser4366= (NM_001008781.3).
Identifiers: ClinVar variation 3035660 (VCV003035660.2), dbSNP rs147702453, ClinGen allele CA6228735.